The following is an entry in ClinVar:

ClinVar aggregate classification (germline): Uncertain significance. Review status: criteria provided, multiple submitters, no conflicts (2 of 4 stars). 4 submissions from 4 submitters: Uncertain significance (4). Last evaluated 2025-12-10.

Conditions:
Obesity. Also called: Obesity disorder. Identifiers: Orphanet 71529, MedGen C0028754, MeSH D009765, MONDO:0011122, HP:0001513.
MC4R-related disorder. Also called: MC4R-related condition.
BODY MASS INDEX QUANTITATIVE TRAIT LOCUS 20 (BMIQ20). Also called: MELANOCORTIN 4 RECEPTOR DEFICIENCY; MC4R DEFICIENCY. Identifiers: MedGen C4759928, OMIM 618406.

Allele frequency attached by ClinVar (database versions not stated): TOPMed 0.00003.

Submissions (4):

PreventionGenetics, part of Exact Sciences
Classification: Uncertain significance for MC4R-related condition. Last evaluated: 2025-12-10. Review status: criteria provided, single submitter. Criteria: ACMG Guidelines, 2015. Collection method: clinical testing. Allele origin: germline.
Comment: The MC4R c.914G>A variant is predicted to result in the amino acid substitution p.Arg305Gln. This variant has been reported in at least three individuals with obesity (Reinehr et al. 2009. PubMed ID: 18997677; Moore et al. 2014. PubMed ID: 24705671). This variant has also been reported in one control individual in a case-control study (Calton et al. 2009. PubMed ID: 19091795). Functional studies suggest that this variant led to reduced gene function (Reinehr et al. 2009. PubMed ID: 18997677; Calton et al. 2009. PubMed ID: 19091795; He and Tao. 2014. PubMed ID: 25332687) and reduced cell surface expression (Moore et al. 2014. PubMed ID: 24705671). This variant is reported in 0.022% of alleles in individuals of East Asian descent in gnomAD. A different substitution at the same amino acid (p.Arg305Trp) has also been reported to cause obesity (see for example Lubrano-Berthelier et al. 2006. PubMed ID: 16507637). Although we suspect this variant may be pathogenic, at this time, the clinical significance is uncertain due to the absence of conclusive functional and genetic evidence.

Labcorp Genetics (formerly Invitae), Labcorp
Classification: Uncertain significance. Last evaluated: 2025-06-14. Review status: criteria provided, single submitter. Criteria: Invitae Variant Classification Sherloc (09022015). Collection method: clinical testing. Allele origin: germline.
Comment: This sequence change replaces arginine, which is basic and polar, with glutamine, which is neutral and polar, at codon 305 of the MC4R protein (p.Arg305Gln). This variant is present in population databases (rs775382722, gnomAD 0.02%). This missense change has been observed in individual(s) with obesity (PMID: 18997677, 22688572, 24705671, 31035493). ClinVar contains an entry for this variant (Variation ID: 524206). Invitae Evidence Modeling of protein sequence and biophysical properties (such as structural, functional, and spatial information, amino acid conservation, physicochemical variation, residue mobility, and thermodynamic stability) indicates that this missense variant is not expected to disrupt MC4R protein function with a negative predictive value of 80%. Experimental studies have shown that this missense change affects MC4R function (PMID: 19091795, 24705671, 25332687). In summary, the available evidence is currently insufficient to determine the role of this variant in disease. Therefore, it has been classified as a Variant of Uncertain Significance.

Fulgent Genetics
Classification: Uncertain significance for BODY MASS INDEX QUANTITATIVE TRAIT LOCUS 20. Last evaluated: 2022-01-25. Review status: criteria provided, single submitter. Criteria: ACMG Guidelines, 2015. Collection method: clinical testing. Allele origin: unknown.

Clinical Molecular Genetics Laboratory, Johns Hopkins All Children's Hospital
Classification: Uncertain significance for Obesity. Last evaluated: 2018-04-06. Review status: criteria provided, single submitter. Criteria: ACMG Guidelines, 2015. Collection method: clinical testing. Allele origin: germline. Inheritance: Autosomal dominant inheritance. Affected: yes. Observed: 1 variant allele, 1 heterozygote.

Literature cited by the submitters: PubMed 18997677 (cited by Labcorp Genetics (formerly Invitae), Labcorp); PubMed 22688572 (cited by Labcorp Genetics (formerly Invitae), Labcorp); PubMed 24705671 (cited by Labcorp Genetics (formerly Invitae), Labcorp); PubMed 31035493 (cited by Labcorp Genetics (formerly Invitae), Labcorp); PubMed 19091795 (cited by Labcorp Genetics (formerly Invitae), Labcorp); PubMed 25332687 (cited by Labcorp Genetics (formerly Invitae), Labcorp).

NM_005912.3(MC4R):c.914G>A (p.Arg305Gln)

Gene: MC4R (melanocortin 4 receptor; minus strand). Cytogenetic location: 18q21.32.
Variant type: single nucleotide variant.
Coding change: c.914G>A on transcript NM_005912.3 (MANE Select); coding-DNA position 914, G replaced by A.
Protein change: p.Arg305Gln; replaces arginine 305 with glutamine.
Molecular consequence: missense variant.
Genome position (GRCh38, 1-based): chr18:60,371,436, C>T on the plus strand (G>A on the coding strand, the complement: MC4R is on the minus strand). VCF-style: chr18-60371436-C-T. GRCh37 (hg19) VCF-style: chr18-58038669-C-T.
Other names: short protein forms R305Q.
Identifiers: ClinVar variation 524206 (VCV000524206.6), dbSNP rs775382722, ClinGen allele CA8980809.